The following is an entry in ClinVar:

NM_002485.5(NBN):c.890T>C (p.Leu297Pro)

Gene: NBN (nibrin; minus strand). Cytogenetic location: 8q21.3.
Variant type: single nucleotide variant.
Coding change: c.890T>C on transcript NM_002485.5 (MANE Select); coding-DNA position 890, T replaced by C.
Protein change: p.Leu297Pro; replaces leucine 297 with proline.
Molecular consequence: missense variant.
Genome position (GRCh38, 1-based): chr8:89,970,370, A>G on the plus strand (T>C on the coding strand, the complement: NBN is on the minus strand). VCF-style: chr8-89970370-A-G. GRCh37 (hg19) VCF-style: chr8-90982598-A-G.
Other names: c.644T>C, p.Leu215Pro (NM_001024688.3); short protein forms L215P, L297P.
Identifiers: ClinVar variation 1405800 (VCV001405800.7), dbSNP rs757787958, ClinGen allele CA4802878.

ClinVar aggregate classification (germline): Uncertain significance (1 of 4 stars; one submission).

Conditions:
Microcephaly, normal intelligence and immunodeficiency (NBS). Also called: Microcephaly with normal intelligence immunodeficiency and lymphoreticular malignancies; Nonsyndromal microcephaly autosomal recessive with normal intelligence; Seemanova syndrome 2; Immunodeficiency, microcephaly with normal intelligence; BERLIN BREAKAGE SYNDROME; SEEMANOVA SYNDROME II. Identifiers: Orphanet 647, MedGen C0398791, MONDO:0009623, OMIM 251260.

Allele frequency attached by ClinVar (database versions not stated): gnomAD exomes below 0.00001; ExAC 0.00001.
gnomAD v4.1: 1 of 1,607,668 alleles (0.000062%); highest among the groups gnomAD compares: Non-Finnish European, 0.000085%; no homozygotes.

Submission:

Labcorp Genetics (formerly Invitae), Labcorp
Classification: Uncertain significance for Microcephaly, normal intelligence and immunodeficiency. Last evaluated: 2023-07-07. Review status: criteria provided, single submitter. Criteria: Invitae Variant Classification Sherloc (09022015). Collection method: clinical testing. Allele origin: germline.
Comment: An algorithm developed to predict the effect of missense changes on protein structure and function (PolyPhen-2) suggests that this variant is likely to be disruptive. This sequence change replaces leucine, which is neutral and non-polar, with proline, which is neutral and non-polar, at codon 297 of the NBN protein (p.Leu297Pro). This variant is present in population databases (rs757787958, gnomAD 0.0009%). This missense change has been observed in individual(s) with ovarian cancer (PMID: 26315354). ClinVar contains an entry for this variant (Variation ID: 1405800). In summary, the available evidence is currently insufficient to determine the role of this variant in disease. Therefore, it has been classified as a Variant of Uncertain Significance.

Literature cited by the submitters: PubMed 26315354.